The following continues an entry in ClinVar:

NM_000083.3(CLCN1):c.313C>T (p.Arg105Cys)

Gene: CLCN1. ClinVar aggregate classification (germline): Conflicting classifications of pathogenicity. Likely pathogenic (1); Uncertain significance (7); Likely benign (2).

Submission 11 of 11:

Practice for Gait Abnormalities, David Pomarino, Competency Network Toe Walking C/o Practice Pomarino
Classification: Likely pathogenic for Tip-toe gait. Last evaluated: 2022-11-15. Review status: no assertion criteria provided. Collection method: clinical testing. Allele origin: germline. Affected: yes. Not counted in ClinVar's aggregate classification.
Comment: Myopathy refers to diseases that affect skeletal Muscles. These diseases attack muscle fibers, making muscles weak. Inherited myopathies are often caused by inheriting an abnormal gene mutation from a parent that causes the disease. Symptoms of congenital myopathies usually start at birth or in early childhood, but may not appear until the teen years or even later in adulthood. Congenital myopathies are somewhat unique compared with other inherited myopathies, as weakness typically affects all muscles and is often not progressive. Symptoms are: Muscle weakness, most commonly of upper arms and shoulders and thighs, muscle cramps, stiffness and spasms, fatigue with exertion and lack of energy. Our patients all walk on tiptoe, so they show similar symptoms. When we genetically test them with our toe walking panel, we find that around 90 per cent of them have a genetic variant that explains their toe walking. These can be assigned, for example, to the area of myopathies (such as variants of the COL6A3 gene), the area of hereditary neuropathies (such as variants of the KMT2C gene) or the area of metabolic diseases (such as variants of the PYGM gene). In a smaller group of patients with almost identical symptoms, no abnormality is found in the genes of our panel, but spastic paraplegia can be detected. In another small group of our toe walkers, no abnormalities can be detected in the genes analysed in our toe walking panel, nor do they suffer from spastic paraplegia, as is also the case with healthy children. In contrast to these, however, they show a tiptoe gait. These patients suffer from infantile cerebral palsy, in which toe walking can also be observed.

Literature cited by the submitters: PubMed 8533761 (cited by 3 submitters); PubMed 24349310 (cited by 3 submitters); PubMed 23739125 (cited by 3 submitters); PubMed 22094069 (cited by 3 submitters); PubMed 33263785 (cited by Women's Health and Genetics/Laboratory Corporation of America, LabCorp); PubMed 34529042 (cited by 3 submitters); PubMed 21387378 (cited by Women's Health and Genetics/Laboratory Corporation of America, LabCorp and Molecular Genetics, Royal Melbourne Hospital); PubMed 32117024 (cited by Women's Health and Genetics/Laboratory Corporation of America, LabCorp and Labcorp Genetics (formerly Invitae), Labcorp); PubMed 23933576 (cited by 3 submitters); PubMed 38374194 (cited by Women's Health and Genetics/Laboratory Corporation of America, LabCorp); PubMed 24037712 (cited by Women's Health and Genetics/Laboratory Corporation of America, LabCorp and Labcorp Genetics (formerly Invitae), Labcorp); PubMed 26510092 (cited by 3 submitters); PubMed 25065301 (cited by Labcorp Genetics (formerly Invitae), Labcorp); PubMed 21221019 (cited by Labcorp Genetics (formerly Invitae), Labcorp and Molecular Genetics, Royal Melbourne Hospital); PubMed 28427807 (cited by Labcorp Genetics (formerly Invitae), Labcorp and Molecular Genetics, Royal Melbourne Hospital); PubMed 22109722 (cited by Molecular Genetics, Royal Melbourne Hospital); PubMed 28403181 (cited by Molecular Genetics, Royal Melbourne Hospital); PubMed 31130284 (cited by Molecular Genetics, Royal Melbourne Hospital); PubMed 32660787 (cited by Molecular Genetics, Royal Melbourne Hospital); PubMed 33573884 (cited by Molecular Genetics, Royal Melbourne Hospital); PubMed 37091313 (cited by Practice for Gait Abnormalities, David Pomarino, Competency Network Toe Walking C/o Practice Pomarino).